The following is an entry in ClinVar:

ClinVar aggregate classification (germline): Uncertain significance (1 of 4 stars; one submission).

Conditions:
Congenital contractural arachnodactyly (CCA). Also called: Arthrogryposis, distal, type 9; BEALS SYNDROME; Beals-Hecht syndrome. Identifiers: Orphanet 115, MedGen C0220668, MONDO:0007363, OMIM 121050.

gnomAD v4.1: 1 of 1,613,106 alleles (0.000062%); highest among the groups gnomAD compares: Non-Finnish European, 0.000085%; no homozygotes.

Submission:

Labcorp Genetics (formerly Invitae), Labcorp
Classification: Uncertain significance for Congenital contractural arachnodactyly. Last evaluated: 2024-12-10. Review status: criteria provided, single submitter. Criteria: Invitae Variant Classification Sherloc (09022015). Collection method: clinical testing. Allele origin: germline.
Comment: This sequence change affects an acceptor splice site in intron 10 of the FBN2 gene. It is expected to disrupt RNA splicing. Variants that disrupt the donor or acceptor splice site typically lead to a loss of protein function (PMID: 16199547), however the current clinical and genetic evidence is not sufficient to establish whether loss-of-function variants in FBN2 cause disease. This variant is not present in population databases (gnomAD no frequency). Disruption of this splice site has been observed in individual(s) with congenital contractural arachnodactyly (internal data). Algorithms developed to predict the effect of sequence changes on RNA splicing suggest that this variant may disrupt the consensus splice site. In summary, the available evidence is currently insufficient to determine the role of this variant in disease. Therefore, it has been classified as a Variant of Uncertain Significance.

Literature cited by the submitters: PubMed 16199547.

NM_001999.4(FBN2):c.1466-1G>A

Gene: FBN2 (fibrillin 2; minus strand). Cytogenetic location: 5q23.3.
Variant type: single nucleotide variant.
Coding change: c.1466-1G>A on transcript NM_001999.4 (MANE Select); the canonical splice acceptor site of the intron before coding-DNA position 1466, G replaced by A.
Molecular consequence: splice acceptor variant.
Genome position (GRCh38, 1-based): chr5:128,392,156, C>T on the plus strand (G>A on the coding strand, the complement: FBN2 is on the minus strand). VCF-style: chr5-128392156-C-T. GRCh37 (hg19) VCF-style: chr5-127727849-C-T.
Identifiers: ClinVar variation 3721678 (VCV003721678.2).
Genomic context (GRCh38, chr5:128,392,156, plus strand): 5'-GTCCATTTAAACAAAGGTTAGCATGATGCTTACAGATATCTATTGTCTGGTTCAGAATTG[C>T]TACGGAAAATTAAAGCACAATTATATTTAATCATTACAACATGCATTACTTTTCTGAATT-3'